The following is an entry in ClinVar:

ClinVar aggregate classification (germline): Uncertain significance. Review status: criteria provided, multiple submitters, no conflicts (2 of 4 stars). 5 submissions from 5 submitters: Uncertain significance (4). 1 of the submissions does not count toward it. Last evaluated 2025-11-16.

Conditions:
TNPO3-related disorder. Also called: TNPO3-related condition.
Inborn genetic diseases. Identifiers: MedGen C0950123, MeSH D030342.
Autosomal dominant limb-girdle muscular dystrophy type 1F (LGMDD2). Also called: MUSCULAR DYSTROPHY, LIMB-GIRDLE, AUTOSOMAL DOMINANT 2; Limb-girdle muscular dystrophy, type 1F. Identifiers: Orphanet 55595, MedGen C1842062, MONDO:0012034, OMIM 608423.

Allele frequency attached by ClinVar (database versions not stated): ExAC 0.00004; gnomAD 0.00004 and 0.00006; gnomAD exomes 0.00004; TOPMed 0.00005; ESP Exome Variant Server 0.00015.
gnomAD v4.1: 171 of 1,613,952 alleles (0.011%); highest among the groups gnomAD compares: Non-Finnish European, 0.014%; no homozygotes.

Submissions (5):

Labcorp Genetics (formerly Invitae), Labcorp
Classification: Uncertain significance for Autosomal dominant limb-girdle muscular dystrophy type 1F. Last evaluated: 2025-11-16. Review status: criteria provided, single submitter. Criteria: Invitae Variant Classification Sherloc (09022015). Collection method: clinical testing. Allele origin: germline.
Comment: This sequence change replaces arginine, which is basic and polar, with glutamine, which is neutral and polar, at codon 322 of the TNPO3 protein (p.Arg322Gln). This variant is present in population databases (rs144794750, gnomAD 0.008%). This variant has not been reported in the literature in individuals affected with TNPO3-related conditions. ClinVar contains an entry for this variant (Variation ID: 499381). Invitae Evidence Modeling of protein sequence and biophysical properties (such as structural, functional, and spatial information, amino acid conservation, physicochemical variation, residue mobility, and thermodynamic stability) indicates that this missense variant is not expected to disrupt TNPO3 protein function with a negative predictive value of 80%. In summary, the available evidence is currently insufficient to determine the role of this variant in disease. Therefore, it has been classified as a Variant of Uncertain Significance.

Ambry Genetics
Classification: Uncertain significance for Inborn genetic diseases. Last evaluated: 2024-07-26. Review status: criteria provided, single submitter. Criteria: Ambry Variant Classification Scheme 2023. Collection method: clinical testing. Allele origin: germline.

Revvity Omics, Revvity
Classification: Uncertain significance for Autosomal dominant limb-girdle muscular dystrophy type 1F. Last evaluated: 2019-12-27. Review status: criteria provided, single submitter. Criteria: ACMG Guidelines, 2015. Collection method: clinical testing. Allele origin: germline.

Eurofins Ntd Llc (ga)
Classification: Uncertain significance. Last evaluated: 2017-01-04. Review status: criteria provided, single submitter. Criteria: EGL Classification Definitions 2015. Collection method: clinical testing. Allele origin: germline. Observed: 1 variant allele, 1 heterozygote.

PreventionGenetics, part of Exact Sciences
Classification: Uncertain significance for TNPO3-related condition. Last evaluated: 2024-03-06. Review status: no assertion criteria provided. Collection method: clinical testing. Allele origin: germline. Not counted in ClinVar's aggregate classification.
Comment: The TNPO3 c.965G>A variant is predicted to result in the amino acid substitution p.Arg322Gln. To our knowledge, this variant has not been reported in the literature. This variant is reported in 0.0085% of alleles in individuals of European (Non-Finnish) descent in gnomAD. At this time, the clinical significance of this variant is uncertain due to the absence of conclusive functional and genetic evidence.

NM_012470.4(TNPO3):c.965G>A (p.Arg322Gln)

Gene: TNPO3 (transportin 3; minus strand). Cytogenetic location: 7q32.1.
Variant type: single nucleotide variant.
Coding change: c.965G>A on transcript NM_012470.4 (MANE Select); coding-DNA position 965, G replaced by A.
Protein change: p.Arg322Gln; replaces arginine 322 with glutamine.
Molecular consequence: missense variant. On other transcripts: non-coding transcript variant (18).
Genome position (GRCh38, 1-based): chr7:129,000,475, C>T on the plus strand (G>A on the coding strand, the complement: TNPO3 is on the minus strand). VCF-style: chr7-129000475-C-T. GRCh37 (hg19) VCF-style: chr7-128640529-C-T.
Other names: c.965G>A, p.Arg322Gln (NM_001191028.3, NM_001382216.1, NM_001382218.1 and 4 more transcripts); c.1046G>A, p.Arg349Gln (NM_001382217.1); c.821G>A, p.Arg274Gln (NM_001382221.1); c.965G>A (NM_012470.3); short protein forms R322Q, R274Q, R349Q.
Identifiers: ClinVar variation 499381 (VCV000499381.14), dbSNP rs144794750, ClinGen allele CA4478283.